The following is an entry in ClinVar:

NM_005591.4(MRE11):c.823T>A (p.Ser275Thr)

Gene: MRE11 (MRE11 double strand break repair nuclease; minus strand). Cytogenetic location: 11q21.
Variant type: single nucleotide variant.
Coding change: c.823T>A on transcript NM_005591.4 (MANE Select); coding-DNA position 823, T replaced by A.
Protein change: p.Ser275Thr; replaces serine 275 with threonine.
Molecular consequence: missense variant.
Genome position (GRCh38, 1-based): chr11:94,471,596, A>T on the plus strand (T>A on the coding strand, the complement: MRE11 is on the minus strand). VCF-style: chr11-94471596-A-T. GRCh37 (hg19) VCF-style: chr11-94204762-A-T.
Other names: c.823T>A, p.Ser275Thr (NM_001330347.2, NM_005590.4); short protein forms S275T.
Identifiers: ClinVar variation 1799954 (VCV001799954.2), dbSNP rs758976088, ClinGen allele CA6235300.

ClinVar aggregate classification (germline): Uncertain significance (1 of 4 stars; one submission).

Conditions:
Hereditary cancer-predisposing syndrome. Also called: Neoplastic Syndromes, Hereditary; Tumor predisposition; Hereditary Cancer Syndrome; Hereditary neoplastic syndrome. Identifiers: Orphanet 140162, MedGen C0027672, MeSH D009386, MONDO:0015356.

Allele frequency attached by ClinVar (database versions not stated): gnomAD exomes below 0.00001; ExAC 0.00001.
gnomAD v4.1: 1 of 1,612,580 alleles (0.000062%); highest among the groups gnomAD compares: South Asian, 0.0011%; no homozygotes.

Submission:

Ambry Genetics
Classification: Uncertain significance for Hereditary cancer-predisposing syndrome. Last evaluated: 2022-09-17. Review status: criteria provided, single submitter. Criteria: Ambry Variant Classification Scheme 2023. Collection method: clinical testing. Allele origin: germline.
Comment: The p.S275T variant (also known as c.823T>A), located in coding exon 7 of the MRE11A gene, results from a T to A substitution at nucleotide position 823. The serine at codon 275 is replaced by threonine, an amino acid with similar properties. This amino acid position is conserved. In addition, the in silico prediction for this alteration is inconclusive. Since supporting evidence is limited at this time, the clinical significance of this alteration remains unclear.